The following is an entry in ClinVar:

NM_020442.6(VARS2):c.1096C>T (p.Arg366Cys)

Gene: VARS2 (valyl-tRNA synthetase 2, mitochondrial; plus strand). Cytogenetic location: 6p21.33.
Variant type: single nucleotide variant.
Coding change: c.1096C>T on transcript NM_020442.6 (MANE Select); coding-DNA position 1096, C replaced by T.
Protein change: p.Arg366Cys; replaces arginine 366 with cysteine.
Molecular consequence: missense variant.
Genome position (GRCh38, 1-based): chr6:30,919,779, C>T. VCF-style: chr6-30919779-C-T. GRCh37 (hg19) VCF-style: chr6-30887556-C-T.
Other names: c.676C>T, p.Arg226Cys (NM_001167733.3); c.1186C>T, p.Arg396Cys (NM_001167734.2); short protein forms R366C, R226C, R396C.
Identifiers: ClinVar variation 1958733 (VCV001958733.5), dbSNP rs749505903, ClinGen allele CA3705819.

ClinVar aggregate classification (germline): Uncertain significance (1 of 4 stars; one submission).

Allele frequency attached by ClinVar (database versions not stated): ExAC 0.00001; gnomAD 0.00001; gnomAD exomes 0.00001; TOPMed 0.00001.
gnomAD v4.1: 21 of 1,589,302 alleles (0.0013%); highest among the groups gnomAD compares: South Asian, 0.0034%; no homozygotes.

Submission:

Labcorp Genetics (formerly Invitae), Labcorp
Classification: Uncertain significance. Last evaluated: 2022-07-16. Review status: criteria provided, single submitter. Criteria: Invitae Variant Classification Sherloc (09022015). Collection method: clinical testing. Allele origin: germline.
Comment: This sequence change replaces arginine, which is basic and polar, with cysteine, which is neutral and slightly polar, at codon 396 of the VARS2 protein (p.Arg396Cys). The frequency data for this variant in the population databases is considered unreliable, as metrics indicate poor data quality at this position in the gnomAD database. This variant has not been reported in the literature in individuals affected with VARS2-related conditions. Algorithms developed to predict the effect of missense changes on protein structure and function output the following: SIFT: "Tolerated"; PolyPhen-2: "Benign"; Align-GVGD: "Class C15". The cysteine amino acid residue is found in multiple mammalian species, which suggests that this missense change does not adversely affect protein function. In summary, the available evidence is currently insufficient to determine the role of this variant in disease. Therefore, it has been classified as a Variant of Uncertain Significance.